The following is an entry in ClinVar:

NM_002890.3(RASA1):c.2943G>T (p.Pro981=)

Genes: CCNH (cyclin H; minus strand), RASA1 (RAS p21 protein activator 1; plus strand). Cytogenetic location: 5q14.3.
Variant type: single nucleotide variant.
Coding change: c.2943G>T on transcript NM_002890.3 (MANE Select); coding-DNA position 2943, G replaced by T.
Protein change: p.Pro981=; no amino-acid change (proline 981 retained).
Molecular consequence: synonymous variant. On other transcripts: intron variant (1).
Genome position (GRCh38, 1-based): chr5:87,389,410, G>T. VCF-style: chr5-87389410-G-T. GRCh37 (hg19) VCF-style: chr5-86685227-G-T.
Other names: c.2412G>T, p.Pro804= (NM_022650.3); c.933+5634C>A (NM_001364075.2).
Identifiers: ClinVar variation 2917291 (VCV002917291.3), dbSNP rs761753589, ClinGen allele CA3336175.

ClinVar aggregate classification (germline): Uncertain significance (1 of 4 stars; one submission).

Conditions:
Capillary malformation-arteriovenous malformation syndrome. Also called: Capillary malformation-arteriovenous malformation. Identifiers: Orphanet 137667, MedGen C1842180, MONDO:0012016.

Allele frequency attached by ClinVar (database versions not stated): ExAC 0.00003.
gnomAD v4.1: 13 of 1,614,006 alleles (0.00081%); highest among the groups gnomAD compares: Non-Finnish European, 0.001%; no homozygotes.

Submission:

Labcorp Genetics (formerly Invitae), Labcorp
Classification: Uncertain significance for Capillary malformation-arteriovenous malformation syndrome. Last evaluated: 2023-08-01. Review status: criteria provided, single submitter. Criteria: Invitae Variant Classification Sherloc (09022015). Collection method: clinical testing. Allele origin: germline.
Comment: In summary, the available evidence is currently insufficient to determine the role of this variant in disease. Therefore, it has been classified as a Variant of Uncertain Significance. Algorithms developed to predict the effect of sequence changes on RNA splicing suggest that this variant may create or strengthen a splice site. This variant has not been reported in the literature in individuals affected with RASA1-related conditions. This variant is present in population databases (rs761753589, gnomAD 0.004%). This sequence change affects codon 981 of the RASA1 mRNA. It is a 'silent' change, meaning that it does not change the encoded amino acid sequence of the RASA1 protein.